The following is an entry in ClinVar:

ClinVar aggregate classification (germline): Uncertain significance (1 of 4 stars; one submission).

Submission:

Center for Pediatric Genomic Medicine, Children's Mercy Hospital and Clinics
Classification: Uncertain significance. Last evaluated: 2016-07-13. Review status: criteria provided, single submitter. Criteria: ACMG Guidelines, 2015. Collection method: clinical testing. Allele origin: germline.
ClinVar note: Converted during submission from Uncertain Significance to Uncertain significance.

NM_001353921.2(ARHGEF9):c.1148T>C (p.Ile383Thr)

Gene: ARHGEF9 (Cdc42 guanine nucleotide exchange factor 9; minus strand). Cytogenetic location: Xq11.1.
Variant type: single nucleotide variant.
Coding change: c.1148T>C on transcript NM_001353921.2 (MANE Select); coding-DNA position 1148, T replaced by C.
Protein change: p.Ile383Thr; replaces isoleucine 383 with threonine.
Molecular consequence: missense variant. On other transcripts: intron variant (2).
Genome position (GRCh38, 1-based): chrX:63,655,667, A>G on the plus strand (T>C on the coding strand, the complement: ARHGEF9 is on the minus strand). VCF-style: chrX-63655667-A-G. GRCh37 (hg19) VCF-style: chrX-62875547-A-G.
Other names: c.968T>C, p.Ile323Thr (NM_001173479.2); c.821T>C, p.Ile274Thr (NM_001173480.2, NM_001369042.1); c.1064T>C, p.Ile355Thr (NM_001330495.2, NM_001369033.1, NM_001369034.1 and 4 more transcripts); c.1016T>C, p.Ile339Thr (NM_001353922.2); c.1166T>C, p.Ile389Thr (NM_001353923.1); c.947T>C, p.Ile316Thr (NM_001353924.2, NM_001353926.2, NM_001369039.1 and 1 more transcripts); c.932T>C, p.Ile311Thr (NM_001353927.2, NM_001369041.1); c.995T>C, p.Ile332Thr (NM_001353928.2); and 3 more; short protein forms I376T, I311T, I316T, I339T, I194T, I355T, I383T, I389T.
Identifiers: ClinVar variation 377196 (VCV000377196.3), dbSNP rs1057520158, ClinGen allele CA16603298.